The following is an entry in ClinVar:

NM_000426.4(LAMA2):c.5853del (p.Ala1952fs)

Gene: LAMA2 (laminin subunit alpha 2; plus strand). Cytogenetic location: 6q22.33.
Variant type: Deletion.
Coding change: c.5853del on transcript NM_000426.4 (MANE Select); coding-DNA position 5853, one base deleted (A; older notation c.5853delA).
Protein change: p.Ala1952fs; shifts the reading frame from alanine 1952.
Molecular consequence: frameshift variant.
Genome position (GRCh38, 1-based): chr6:129,403,947, A deleted; the last of 2 consecutive A bases (chr6:129,403,946-129,403,947); deleting either gives the same sequence. VCF-style (leftmost placement, unchanged base first): chr6-129403945-GA-G. GRCh37 (hg19) VCF-style: chr6-129725090-GA-G.
Other names: c.5853del, p.Ala1952fs (NM_001079823.2); c.5853delA (NM_000426.3); short protein forms A1952fs.
Identifiers: ClinVar variation 477494 (VCV000477494.8), dbSNP rs1554290311, ClinGen allele CA658657618.

ClinVar aggregate classification (germline): Pathogenic/Likely pathogenic. Review status: criteria provided, multiple submitters, no conflicts (2 of 4 stars). 2 submissions from 2 submitters: Pathogenic (1); Likely pathogenic (1). Last evaluated 2023-11-27.

Conditions:
LAMA2-related muscular dystrophy (LAMA2-RD). Also called: Laminin alpha 2-related dystrophy. Identifiers: MedGen C5679788, MONDO:0100228.
Merosin deficient congenital muscular dystrophy (MDC1A). Also called: Congenital merosin-deficient muscular dystrophy 1A; Congenital Muscular Dystrophy Type 1A (MDC1A). Identifiers: Orphanet 258, MedGen C1263858, MONDO:0011925, OMIM 607855.

Submissions (2):

Baylor Genetics
Classification: Likely pathogenic for Merosin deficient congenital muscular dystrophy. Last evaluated: 2023-11-27. Review status: criteria provided, single submitter. Criteria: ACMG Guidelines, 2015. Collection method: clinical testing. Allele origin: unknown.

Labcorp Genetics (formerly Invitae), Labcorp
Classification: Pathogenic for LAMA2-related muscular dystrophy. Last evaluated: 2022-08-10. Review status: criteria provided, single submitter. Criteria: Invitae Variant Classification Sherloc (09022015). Collection method: clinical testing. Allele origin: germline.
Comment: This sequence change creates a premature translational stop signal (p.Ala1952Leufs*12) in the LAMA2 gene. It is expected to result in an absent or disrupted protein product. Loss-of-function variants in LAMA2 are known to be pathogenic (PMID: 18700894, 32904964). This variant is not present in population databases (gnomAD no frequency). For these reasons, this variant has been classified as Pathogenic. ClinVar contains an entry for this variant (Variation ID: 477494). This variant has not been reported in the literature in individuals affected with LAMA2-related conditions.

Literature cited by the submitters: PubMed 18700894 (cited by Labcorp Genetics (formerly Invitae), Labcorp); PubMed 32904964 (cited by Labcorp Genetics (formerly Invitae), Labcorp).